The following is an entry in ClinVar:

NM_001197104.2(KMT2A):c.7975C>T (p.Arg2659Ter)

Gene: KMT2A (lysine methyltransferase 2A; plus strand). Cytogenetic location: 11q23.3.
Variant type: single nucleotide variant.
Coding change: c.7975C>T on transcript NM_001197104.2 (MANE Select); coding-DNA position 7975, C replaced by T.
Protein change: p.Arg2659Ter; replaces arginine 2659 with a stop codon.
Molecular consequence: nonsense.
Genome position (GRCh38, 1-based): chr11:118,503,867, C>T. VCF-style: chr11-118503867-C-T. GRCh37 (hg19) VCF-style: chr11-118374582-C-T.
Other names: c.7966C>T, p.Arg2656Ter (NM_005933.4); short protein forms R2656*, R2659*.
Identifiers: ClinVar variation 978869 (VCV000978869.6), dbSNP rs1950540436, ClinGen allele CA382808069.

ClinVar aggregate classification (germline): Pathogenic. Review status: criteria provided, multiple submitters, no conflicts (2 of 4 stars). 5 submissions from 5 submitters: Pathogenic (5). Last evaluated 2024-07-30.

Conditions:
Inborn genetic diseases. Identifiers: MedGen C0950123, MeSH D030342.
Wiedemann-Steiner syndrome (WDSTS). Also called: Growth deficiency and mental retardation with facial dysmorphism. Identifiers: Orphanet 319182, MedGen C1854630, MONDO:0011518, OMIM 605130.
Intellectual disability. Also called: intellectual disabilities; Intellectual developmental disorder; Intellectual functioning disability. Identifiers: MedGen C3714756, MeSH D008607, MONDO:0001071, HP:0001249.

Submissions (5):

GeneDx
Classification: Pathogenic. Last evaluated: 2024-07-30. Review status: criteria provided, single submitter. Criteria: GeneDx Variant Classification Process June 2021. Collection method: clinical testing. Allele origin: germline. Affected: yes.
Comment: Nonsense variant predicted to result in protein truncation or nonsense mediated decay in a gene for which loss of function is a known mechanism of disease; Not observed at significant frequency in large population cohorts (gnomAD); This variant is associated with the following publications: (PMID: 35904121, 29574747)

Ambry Genetics
Classification: Pathogenic for Inborn genetic diseases. Last evaluated: 2023-12-12. Review status: criteria provided, single submitter. Criteria: Ambry Variant Classification Scheme 2023. Collection method: clinical testing. Allele origin: germline.
Comment: The c.7975C>T (p.R2659*) alteration, located in exon 27 (coding exon 27) of the KMT2A gene, consists of a C to T substitution at nucleotide position 7975. This changes the amino acid from a arginine (R) to a stop codon at amino acid position 2659. This alteration is expected to result in loss of function by premature protein truncation or nonsense-mediated mRNA decay. This variant was not reported in population-based cohorts in the Genome Aggregation Database (gnomAD). This variant has been reported in an individual with features consistent with Wiedemann-Steiner syndrome (Baer, 2018). Based on the available evidence, this alteration is classified as pathogenic.

Laboratory of Medical Genetics, National & Kapodistrian University of Athens
Classification: Pathogenic for Wiedemann-Steiner syndrome. Last evaluated: 2023-04-26. Review status: criteria provided, single submitter. Criteria: ACMG Guidelines, 2015. Collection method: clinical testing. Allele origin: de novo. Affected: yes.
Comment: PVS1, PM2, PP5

3billion
Classification: Pathogenic for Wiedemann-Steiner syndrome. Last evaluated: 2022-05-22. Review status: criteria provided, single submitter. Criteria: ACMG Guidelines, 2015. Collection method: clinical testing. Allele origin: germline. Affected: yes. Observed: 1 heterozygote.
Comment: The variant is not observed in the gnomAD v2.1.1 dataset. Stop-gained (nonsense): predicted to result in a loss or disruption of normal protein function through nonsense-mediated decay (NMD) or protein truncation. Multiple pathogenic variants are reported downstream of the variant. The variant has been previously reported as de novo in a similarly affected individual (PMID: 29574747). The variant has been reported to be associated with KMT2A related disorder (ClinVar ID: VCV000978869 / PMID: 29574747). Therefore, this variant is classified as pathogenic according to the recommendation of ACMG/AMP guideline.

Diagnostic Laboratory, Strasbourg University Hospital
Classification: Pathogenic for Intellectual disability. Last evaluated: 2020-04-20. Review status: criteria provided, single submitter. Criteria: ACMG Guidelines, 2015. Collection method: clinical testing. Allele origin: de novo. Inheritance: Autosomal dominant inheritance. Affected: yes. Observed: 1 heterozygote.

Literature cited by the submitters: PubMed 29574747 (cited by Ambry Genetics and 3billion).